The following is an entry in ClinVar:

ClinVar aggregate classification (germline): Likely benign (1 of 4 stars; one submission).

Submission:

CeGaT Center for Human Genetics Tuebingen
Classification: Likely benign. Last evaluated: 2022-12-01. Review status: criteria provided, single submitter. Criteria: CeGaT Center For Human Genetics Tuebingen Variant Classification Criteria Version 2. Collection method: clinical testing. Allele origin: germline. Affected: yes. Observed: 1 variant allele.
Comment: PLEKHG7: PM2:Supporting, BP4, BP7

NM_001377329.1(PLEKHG7):c.1566A>G (p.Glu522=)

Gene: PLEKHG7 (pleckstrin homology and RhoGEF domain containing G7; plus strand). Cytogenetic location: 12q22.
Variant type: single nucleotide variant.
Coding change: c.1566A>G on transcript NM_001377329.1 (MANE Select); coding-DNA position 1566, A replaced by G.
Protein change: p.Glu522=; no amino-acid change (glutamic acid 522 retained).
Molecular consequence: synonymous variant.
Genome position (GRCh38, 1-based): chr12:92,756,321, A>G. VCF-style: chr12-92756321-A-G. GRCh37 (hg19) VCF-style: chr12-93150097-A-G.
Identifiers: ClinVar variation 2643217 (VCV002643217.24), dbSNP rs2499994011, ClinGen allele CA481082496.
Genomic context (GRCh38, chr12:92,756,321, plus strand): 5'-AACAACATCTCTTTTATTTTCTCGCTTGTTTTACAAGTGTTTGAAACACATTTTTAAAGA[A>G]CACATGGCAGAAAACATCTTGTCACCAACCAGCAGACACCTTCTCTATGAAGGAAAATTA-3'
Protein context (NP_001364258.1, residues 512-532): IPECLKHIFK[Glu522=]HMAENILSPT